The following is an entry in ClinVar:

ClinVar aggregate classification (germline): Pathogenic (1 of 4 stars; one submission).

Conditions:
Colorectal cancer, hereditary nonpolyposis, type 7. Identifiers: Orphanet 144, MedGen C1858380, MONDO:0013725, OMIM 614385.

Submission:

Myriad Genetics, Inc.
Classification: Pathogenic for Colorectal cancer, hereditary nonpolyposis, type 7. Last evaluated: 2026-07-14. Review status: criteria provided, single submitter. Criteria: Myriad Autosomal Dominant, Autosomal Recessive and X-Linked Classification Criteria (2023). Collection method: clinical testing. Allele origin: unknown.
Comment: This variant is considered pathogenic. This variant creates a termination codon and is predicted to result in premature protein truncation.

NM_001040108.2(MLH3):c.661C>T (p.Gln221Ter)

Gene: MLH3 (mutL homolog 3; minus strand). Cytogenetic location: 14q24.3.
Variant type: single nucleotide variant.
Coding change: c.661C>T on transcript NM_001040108.2 (MANE Select); coding-DNA position 661, C replaced by T.
Protein change: p.Gln221Ter; replaces glutamine 221 with a stop codon.
Molecular consequence: nonsense.
Genome position (GRCh38, 1-based): chr14:75,048,995, G>A on the plus strand (C>T on the coding strand, the complement: MLH3 is on the minus strand). VCF-style: chr14-75048995-G-A. GRCh37 (hg19) VCF-style: chr14-75515698-G-A.
Other names: c.661C>T, p.Gln221Ter (NM_014381.3); short protein forms Q221*.
Identifiers: ClinVar variation 5042209 (VCV005042209.1).
Genomic context (GRCh38, chr14:75,048,995, plus strand): 5'-AGCTGATATAGCCACTAAGCTCAAACTCTTTATATTTAAAACTTATTTCTCTTAGCTTTT[G>A]GGACTTTCCCAATCCATAAATTTGACAAAATCGGGAACATACGTCTTTGGTTTTAGGGAG-3'